The following is an entry in ClinVar:

NM_001035.3(RYR2):c.4235A>G (p.Asp1412Gly)

Gene: RYR2 (ryanodine receptor 2; plus strand). Cytogenetic location: 1q43.
Variant type: single nucleotide variant.
Coding change: c.4235A>G on transcript NM_001035.3 (MANE Select); coding-DNA position 4235, A replaced by G.
Protein change: p.Asp1412Gly; replaces aspartic acid 1412 with glycine.
Molecular consequence: missense variant.
Genome position (GRCh38, 1-based): chr1:237,591,813, A>G. VCF-style: chr1-237591813-A-G. GRCh37 (hg19) VCF-style: chr1-237755113-A-G.
Other names: c.4235A>G, p.Asp1412Gly (LRG_402t1); short protein forms D1412G.
Identifiers: ClinVar variation 492987 (VCV000492987.3), dbSNP rs1553515461, ClinGen allele CA345398760.

ClinVar aggregate classification (germline): Uncertain significance. Review status: criteria provided, single submitter (1 of 4 stars). 2 submissions from 2 submitters: Uncertain significance (1). 1 of the submissions does not count toward it. Last evaluated 2023-06-21.

Conditions:
Brugada syndrome. Also called: Sudden Unexplained Death Syndrome; Sudden Unexplained Nocturnal Death Syndrome (SUNDS); Sudden unexpected nocturnal death syndrome; Sudden unexplained nocturnal death syndrome. Identifiers: Orphanet 130, MedGen C1142166, MONDO:0015263.

Allele frequency attached by ClinVar (database versions not stated): gnomAD exomes below 0.00001.
gnomAD v4.1: 4 of 1,613,606 alleles (0.00025%); highest among the groups gnomAD compares: Non-Finnish European, 0.00034%; no homozygotes.

Submissions (2):

GeneDx
Classification: Uncertain significance. Last evaluated: 2023-06-21. Review status: criteria provided, single submitter. Criteria: GeneDx Variant Classification Process June 2021. Collection method: clinical testing. Allele origin: germline. Affected: yes.
Comment: Has not been previously published as pathogenic or benign to our knowledge; Not observed at significant frequency in large population cohorts (gnomAD); In silico analysis supports that this missense variant has a deleterious effect on protein structure/function; Not located in one of the three hot-spot regions of the RYR2 gene, where the majority of pathogenic missense variants occur (Medeiros-Domingo et al., 2009)

Agnes Ginges Centre for Molecular Cardiology, Centenary Institute
Classification: Uncertain significance for Brugada syndrome. Last evaluated: 2020-04-07. Review status: no assertion criteria provided. Collection method: research. Allele origin: germline. Inheritance: Autosomal dominant inheritance. Affected: yes. Not counted in ClinVar's aggregate classification.
Comment: The RYR2 Asp1412Gly is a novel variant. It is absent from the Genome Aggregation Database. Computational tools SIFT and MutationTaster predict this variant to be "deleterious" and "disease-causing" respectively, however PolyPhen-2 predicts the variant to be "benign". Based on the limited information available and rarity in general populations, we classify RYR2 Asp1412Gly as a variant of "uncertain significance".